The following is an entry in ClinVar:

NM_015378.4(VPS13D):c.3218C>A (p.Thr1073Asn)

Gene: VPS13D (vacuolar protein sorting 13 homolog D; plus strand). Cytogenetic location: 1p36.22.
Variant type: single nucleotide variant.
Coding change: c.3218C>A on transcript NM_015378.4 (MANE Select); coding-DNA position 3218, C replaced by A.
Protein change: p.Thr1073Asn; replaces threonine 1073 with asparagine.
Molecular consequence: missense variant.
Genome position (GRCh38, 1-based): chr1:12,276,806, C>A. VCF-style: chr1-12276806-C-A. GRCh37 (hg19) VCF-style: chr1-12336863-C-A.
Other names: c.3218C>A, p.Thr1073Asn (NM_018156.4); short protein forms T1073N.
Identifiers: ClinVar variation 1939428 (VCV001939428.2), dbSNP rs746223620, ClinGen allele CA601945.

ClinVar aggregate classification (germline): Uncertain significance (1 of 4 stars; one submission).

Allele frequency attached by ClinVar (database versions not stated): TOPMed 0.00001; ExAC 0.00002.
gnomAD v4.1: 7 of 1,614,166 alleles (0.00043%); highest among the groups gnomAD compares: Admixed American, 0.012%; no homozygotes.

Submission:

Labcorp Genetics (formerly Invitae), Labcorp
Classification: Uncertain significance. Last evaluated: 2022-08-23. Review status: criteria provided, single submitter. Criteria: Invitae Variant Classification Sherloc (09022015). Collection method: clinical testing. Allele origin: germline.
Comment: This sequence change replaces threonine, which is neutral and polar, with asparagine, which is neutral and polar, at codon 1073 of the VPS13D protein (p.Thr1073Asn). This variant is present in population databases (rs746223620, gnomAD 0.02%). This variant has not been reported in the literature in individuals affected with VPS13D-related conditions. Algorithms developed to predict the effect of missense changes on protein structure and function are either unavailable or do not agree on the potential impact of this missense change (SIFT: "Not Available"; PolyPhen-2: "Benign"; Align-GVGD: "Not Available"). In summary, the available evidence is currently insufficient to determine the role of this variant in disease. Therefore, it has been classified as a Variant of Uncertain Significance.